The following is an entry in ClinVar:

NM_000540.3(RYR1):c.7099G>T (p.Ala2367Ser)

Gene: RYR1 (ryanodine receptor 1; plus strand). Cytogenetic location: 19q13.2.
Variant type: single nucleotide variant.
Coding change: c.7099G>T on transcript NM_000540.3 (MANE Select); coding-DNA position 7099, G replaced by T.
Protein change: p.Ala2367Ser; replaces alanine 2367 with serine.
Molecular consequence: missense variant.
Genome position (GRCh38, 1-based): chr19:38,499,706, G>T. VCF-style: chr19-38499706-G-T. GRCh37 (hg19) VCF-style: chr19-38990346-G-T.
Other names: c.7099G>T, p.Ala2367Ser (NM_001042723.2); short protein forms A2367S.
Identifiers: ClinVar variation 3636229 (VCV003636229.2).

ClinVar aggregate classification (germline): Uncertain significance (1 of 4 stars; one submission).

Conditions:
RYR1-related disorder. Also called: RYR1-related condition; RYR1-related disorders. Identifiers: MedGen CN239331.

gnomAD v4.1: 7 of 1,601,198 alleles (0.00044%); highest among the groups gnomAD compares: Non-Finnish European, 0.00059%; no homozygotes.

Submission:

Labcorp Genetics (formerly Invitae), Labcorp
Classification: Uncertain significance for RYR1-related disorder. Last evaluated: 2024-05-12. Review status: criteria provided, single submitter. Criteria: Invitae Variant Classification Sherloc (09022015). Collection method: clinical testing. Allele origin: germline.
Comment: This sequence change replaces alanine, which is neutral and non-polar, with serine, which is neutral and polar, at codon 2367 of the RYR1 protein (p.Ala2367Ser). This variant is not present in population databases (gnomAD no frequency). This variant has not been reported in the literature in individuals affected with RYR1-related conditions. Advanced modeling of protein sequence and biophysical properties (such as structural, functional, and spatial information, amino acid conservation, physicochemical variation, residue mobility, and thermodynamic stability) performed at Invitae indicates that this missense variant is expected to disrupt RYR1 protein function with a positive predictive value of 80%. This variant disrupts the p.Ala2367 amino acid residue in RYR1. Other variant(s) that disrupt this residue have been determined to be pathogenic (PMID: 11575529; Invitae). This suggests that this residue is clinically significant, and that variants that disrupt this residue are likely to be disease-causing. In summary, the available evidence is currently insufficient to determine the role of this variant in disease. Therefore, it has been classified as a Variant of Uncertain Significance.

Literature cited by the submitters: PubMed 11575529.